The following is an entry in ClinVar:

ClinVar aggregate classification (germline): Benign/Likely benign. Review status: criteria provided, multiple submitters, no conflicts (2 of 4 stars). 5 submissions from 5 submitters: Benign (1); Likely benign (4). Last evaluated 2025-02-03.

Conditions:
Lynch syndrome 4 (LYNCH4). Also called: Colorectal cancer, hereditary nonpolyposis, type 4; Hereditary non-polyposis colorectal cancer, type 4. Identifiers: Orphanet 144, MedGen C1838333, MONDO:0013699, OMIM 614337. Disease mechanism: loss of function.
Hereditary nonpolyposis colorectal neoplasms. Identifiers: MedGen C0009405, MeSH D003123.
Hereditary cancer-predisposing syndrome. Also called: Hereditary neoplastic syndrome; Tumor predisposition; Hereditary Cancer Syndrome; Neoplastic Syndromes, Hereditary. Identifiers: Orphanet 140162, MedGen C0027672, MeSH D009386, MONDO:0015356.

Submissions (5):

Myriad Genetics, Inc.
Classification: Benign for Lynch syndrome 4. Last evaluated: 2025-02-03. Review status: criteria provided, single submitter. Criteria: Myriad Autosomal Dominant, Autosomal Recessive and X-Linked Classification Criteria (2023). Collection method: clinical testing. Allele origin: unknown.
Comment: This variant is considered benign. This variant is a silent/synonymous amino acid change and it is not expected to impact splicing.

Labcorp Genetics (formerly Invitae), Labcorp
Classification: Likely benign for Hereditary nonpolyposis colorectal neoplasms. Last evaluated: 2024-10-09. Review status: criteria provided, single submitter. Criteria: Invitae Variant Classification Sherloc (09022015). Collection method: clinical testing. Allele origin: germline.

Blueprint Genetics
Classification: Likely benign. Last evaluated: 2022-07-13. Review status: criteria provided, single submitter. Criteria: ACMG Guidelines, 2015. Collection method: clinical testing. Allele origin: germline.

Ambry Genetics
Classification: Likely benign for Hereditary cancer-predisposing syndrome. Last evaluated: 2020-02-11. Review status: criteria provided, single submitter. Criteria: Ambry Variant Classification Scheme 2023. Collection method: clinical testing. Allele origin: germline.

GeneDx
Classification: Likely benign. Last evaluated: 2019-01-31. Review status: criteria provided, single submitter. Criteria: GeneDx Variant Classification Process June 2021. Collection method: clinical testing. Allele origin: germline. Affected: yes.

NM_000535.7(PMS2):c.2067C>T (p.Thr689=)

Gene: PMS2 (PMS1 homolog 2, mismatch repair system component; minus strand). Cytogenetic location: 7p22.1.
Variant type: single nucleotide variant.
Coding change: c.2067C>T on transcript NM_000535.7 (MANE Select); coding-DNA position 2067, C replaced by T.
Protein change: p.Thr689=; no amino-acid change (threonine 689 retained).
Molecular consequence: synonymous variant. On other transcripts: non-coding transcript variant (1).
Genome position (GRCh38, 1-based): chr7:5,982,931, G>A on the plus strand (C>T on the coding strand, the complement: PMS2 is on the minus strand). VCF-style: chr7-5982931-G-A. GRCh37 (hg19) VCF-style: chr7-6022562-G-A.
Other names: c.1662C>T, p.Thr554= (NM_001322003.2, NM_001322004.2, NM_001322005.2 and 1 more transcripts); c.1911C>T, p.Thr637= (NM_001322006.2); c.1749C>T, p.Thr583= (NM_001322007.2, NM_001322008.2); c.1506C>T, p.Thr502= (NM_001322010.2); c.1134C>T, p.Thr378= (NM_001322011.2, NM_001322012.2); c.1494C>T, p.Thr498= (NM_001322013.2); c.2067C>T, p.Thr689= (NM_001322014.2); c.1758C>T, p.Thr586= (NM_001322015.2).
Identifiers: ClinVar variation 1129821 (VCV001129821.15), dbSNP rs1583299269, ClinGen allele CA453643416.